The following is an entry in ClinVar:

NM_001148.6(ANK2):c.250C>A (p.Leu84Met)

Gene: ANK2 (ankyrin 2; plus strand). Cytogenetic location: 4q25.
Variant type: single nucleotide variant.
Coding change: c.250C>A on transcript NM_001148.6 (MANE Select); coding-DNA position 250, C replaced by A.
Protein change: p.Leu84Met; replaces leucine 84 with methionine.
Molecular consequence: missense variant.
Genome position (GRCh38, 1-based): chr4:113,196,431, C>A. VCF-style: chr4-113196431-C-A. GRCh37 (hg19) VCF-style: chr4-114117587-C-A.
Other names: c.187C>A, p.Leu63Met (NM_001127493.3, NM_001354239.2, NM_001354243.2 and 33 more transcripts); c.250C>A, p.Leu84Met (NM_001354225.2, NM_001354228.2, NM_001354232.2 and 9 more transcripts); c.295C>A, p.Leu99Met (NM_001354230.2, NM_001354231.2, NM_001354237.2 and 5 more transcripts); c.232C>A, p.Leu78Met (NM_001354261.2, NM_001386147.1, NM_001386160.1); c.238C>A, p.Leu80Met (NM_001354269.3, NM_001386148.2, NM_001386186.2 and 1 more transcripts); c.301C>A, p.Leu101Met (NM_001386174.1, NM_001386175.1); c.250C>A (NM_001148.4); short protein forms L80M, L99M, L63M, L101M, L78M, L84M.
Identifiers: ClinVar variation 1430705 (VCV001430705.9), dbSNP rs2153389915, ClinGen allele CA357993508.

ClinVar aggregate classification (germline): Uncertain significance. Review status: criteria provided, multiple submitters, no conflicts (2 of 4 stars). 2 submissions from 2 submitters: Uncertain significance (2). Last evaluated 2024-12-31.

Conditions:
Cardiovascular phenotype. Identifiers: MedGen CN230736.
Long QT syndrome (LQTS). Identifiers: MedGen C0023976, MeSH D008133, MONDO:0002442. Disease mechanism: loss of function. Inheritance: Various modes of inheritance.

Submissions (2):

Ambry Genetics
Classification: Uncertain significance for Cardiovascular phenotype. Last evaluated: 2024-12-31. Review status: criteria provided, single submitter. Criteria: Ambry Variant Classification Scheme 2023. Collection method: clinical testing. Allele origin: germline.
Comment: The p.L84M variant (also known as c.250C>A), located in coding exon 3 of the ANK2 gene, results from a C to A substitution at nucleotide position 250. The leucine at codon 84 is replaced by methionine, an amino acid with highly similar properties. This amino acid position is conserved. In addition, this alteration is predicted to be tolerated by in silico analysis. Based on the available evidence, the clinical significance of this variant remains unclear.

Labcorp Genetics (formerly Invitae), Labcorp
Classification: Uncertain significance for Long QT syndrome. Last evaluated: 2021-07-09. Review status: criteria provided, single submitter. Criteria: Invitae Variant Classification Sherloc (09022015). Collection method: clinical testing. Allele origin: germline.
Comment: This sequence change replaces leucine with methionine at codon 84 of the ANK2 protein (p.Leu84Met). The leucine residue is moderately conserved and there is a small physicochemical difference between leucine and methionine. This variant is not present in population databases (ExAC no frequency). This variant has not been reported in the literature in individuals affected with ANK2-related conditions. Algorithms developed to predict the effect of missense changes on protein structure and function are either unavailable or do not agree on the potential impact of this missense change (SIFT: "Tolerated"; PolyPhen-2: "Probably Damaging"; Align-GVGD: "Class C0"). In summary, the available evidence is currently insufficient to determine the role of this variant in disease. Therefore, it has been classified as a Variant of Uncertain Significance.